The following is an entry in ClinVar:

ClinVar aggregate classification (germline): Conflicting classifications of pathogenicity. Review status: criteria provided, conflicting classifications (1 of 4 stars). 3 submissions from 3 submitters: Uncertain significance (2); Likely benign (1). Last evaluated 2024-11-27.

Conditions:
Inborn genetic diseases. Identifiers: MedGen C0950123, MeSH D030342.
ASXL3-related disorder. Also called: ASXL3-related condition. Identifiers: MedGen CN381524.

gnomAD v4.1: 57 of 1,609,572 alleles (0.0035%); highest among the groups gnomAD compares: Non-Finnish European, 0.0045%; no homozygotes.

Submissions (3):

PreventionGenetics, part of Exact Sciences
Classification: Uncertain significance for ASXL3-related condition. Last evaluated: 2024-11-27. Review status: criteria provided, single submitter. Criteria: ACMG Guidelines, 2015. Collection method: clinical testing. Allele origin: germline.
Comment: The ASXL3 c.338A>G variant is predicted to result in the amino acid substitution p.His113Arg. To our knowledge, this variant has not been reported in the literature. This variant is reported in 0.0018% of alleles in individuals of European (Non-Finnish) descent in gnomAD. At this time, the clinical significance of this variant is uncertain due to the absence of conclusive functional and genetic evidence.

Ambry Genetics
Classification: Likely benign for Inborn genetic diseases. Last evaluated: 2024-09-03. Review status: criteria provided, single submitter. Criteria: Ambry Variant Classification Scheme 2023. Collection method: clinical testing. Allele origin: germline.

Blueprint Genetics
Classification: Uncertain significance. Last evaluated: 2021-11-20. Review status: criteria provided, single submitter. Criteria: ACMG Guidelines, 2015. Collection method: clinical testing. Allele origin: germline.

NM_030632.3(ASXL3):c.338A>G (p.His113Arg)

Gene: ASXL3 (ASXL transcriptional regulator 3; plus strand). Cytogenetic location: 18q12.1.
Variant type: single nucleotide variant.
Coding change: c.338A>G on transcript NM_030632.3 (MANE Select); coding-DNA position 338, A replaced by G.
Protein change: p.His113Arg; replaces histidine 113 with arginine.
Molecular consequence: missense variant.
Genome position (GRCh38, 1-based): chr18:33,646,336, A>G. VCF-style: chr18-33646336-A-G. GRCh37 (hg19) VCF-style: chr18-31226300-A-G.
Other names: c.338A>G (NM_030632.2); short protein forms H113R.
Identifiers: ClinVar variation 3440433 (VCV003440433.3).